The following is an entry in ClinVar:

NM_013247.5(HTRA2):c.200A>G (p.Glu67Gly)

Gene: HTRA2 (HtrA serine peptidase 2; plus strand). Cytogenetic location: 2p13.1.
Variant type: single nucleotide variant.
Coding change: c.200A>G on transcript NM_013247.5 (MANE Select); coding-DNA position 200, A replaced by G.
Protein change: p.Glu67Gly; replaces glutamic acid 67 with glycine.
Molecular consequence: missense variant. On other transcripts: non-coding transcript variant (1).
Genome position (GRCh38, 1-based): chr2:74,530,206, A>G. VCF-style: chr2-74530206-A-G. GRCh37 (hg19) VCF-style: chr2-74757333-A-G.
Other names: c.200A>G, p.Glu67Gly (NM_001321727.1, NM_001321728.1, NM_145074.2); short protein forms E67G.
Identifiers: ClinVar variation 1950601 (VCV001950601.6), dbSNP rs768944981, ClinGen allele CA1728297.
Genomic context (GRCh38, chr2:74,530,206, plus strand): 5'-GGGCCCGAGTGACTTATGGGACCCCCAGTCTCTGGGCCCGGTTGTCTGTTGGGGTCACTG[A>G]ACCCCGAGCATGCCTGACGTCTGGGACCCCGGGTCCCCGGGCACAACTGACTGCGGTGAC-3'
Protein context (NP_037379.1, residues 57-77): LWARLSVGVT[Glu67Gly]PRACLTSGTP

ClinVar aggregate classification (germline): Uncertain significance. Review status: criteria provided, multiple submitters, no conflicts (2 of 4 stars). 2 submissions from 2 submitters: Uncertain significance (2). Last evaluated 2024-07-09.

Conditions:
Inborn genetic diseases. Identifiers: MedGen C0950123, MeSH D030342.

Allele frequency attached by ClinVar (database versions not stated): gnomAD exomes below 0.00001; TOPMed below 0.00001; ExAC 0.00001; gnomAD 0.00001.
gnomAD v4.1: 3 of 1,610,958 alleles (0.00019%); highest among the groups gnomAD compares: Admixed American, 0.005%; no homozygotes.

Submissions (2):

Ambry Genetics
Classification: Uncertain significance for Inborn genetic diseases. Last evaluated: 2024-07-09. Review status: criteria provided, single submitter. Criteria: Ambry Variant Classification Scheme 2023. Collection method: clinical testing. Allele origin: germline.

Labcorp Genetics (formerly Invitae), Labcorp
Classification: Uncertain significance. Last evaluated: 2022-06-09. Review status: criteria provided, single submitter. Criteria: Invitae Variant Classification Sherloc (09022015). Collection method: clinical testing. Allele origin: germline.
Comment: This variant is present in population databases (rs768944981, gnomAD 0.009%). This sequence change replaces glutamic acid, which is acidic and polar, with glycine, which is neutral and non-polar, at codon 67 of the HTRA2 protein (p.Glu67Gly). This variant has not been reported in the literature in individuals affected with HTRA2-related conditions. Algorithms developed to predict the effect of missense changes on protein structure and function output the following: SIFT: "Deleterious"; PolyPhen-2: "Benign"; Align-GVGD: "Class C0". The glycine amino acid residue is found in multiple mammalian species, which suggests that this missense change does not adversely affect protein function. In summary, the available evidence is currently insufficient to determine the role of this variant in disease. Therefore, it has been classified as a Variant of Uncertain Significance.